The following is an entry in ClinVar:

NM_015512.5(DNAH1):c.9389A>G (p.Lys3130Arg)

Gene: DNAH1 (dynein axonemal heavy chain 1; plus strand). Cytogenetic location: 3p21.1.
Variant type: single nucleotide variant.
Coding change: c.9389A>G on transcript NM_015512.5 (MANE Select); coding-DNA position 9389, A replaced by G.
Protein change: p.Lys3130Arg; replaces lysine 3130 with arginine.
Molecular consequence: missense variant.
Genome position (GRCh38, 1-based): chr3:52,388,831, A>G. VCF-style: chr3-52388831-A-G. GRCh37 (hg19) VCF-style: chr3-52422847-A-G.
Other names: short protein forms K3130R.
Identifiers: ClinVar variation 3756266 (VCV003756266.2).
Genomic context (GRCh38, chr3:52,388,831, plus strand): 5'-CTCCCAGAGCCCACCCCACGGGGCTGCCCCTCCAGCTCATCAACGGGCTGTCGGATGAGA[A>G]GGTGCGCTGGCAGGAGACGGTGGAGAACCTGCAGTACATGCTCAACAACATCTCCGGCGA-3'
Protein context (NP_056327.4, residues 3120-3140): GKLINGLSDE[Lys3130Arg]VRWQETVENL

ClinVar aggregate classification (germline): Uncertain significance (1 of 4 stars; one submission).

Conditions:
Spermatogenic failure 18. Identifiers: MedGen C4539783, MONDO:0054615, OMIM 617576.
Ciliary dyskinesia, primary, 37 (CILD37). Also called: CILIARY DYSKINESIA, PRIMARY, 37, WITH OR WITHOUT SITUS INVERSUS. Identifiers: MedGen C4539798, MONDO:0033204, OMIM 617577.

Submission:

Labcorp Genetics (formerly Invitae), Labcorp
Classification: Uncertain significance for Ciliary dyskinesia, primary, 37; Spermatogenic failure 18. Last evaluated: 2024-05-08. Review status: criteria provided, single submitter. Criteria: Invitae Variant Classification Sherloc (09022015). Collection method: clinical testing. Allele origin: germline.
Comment: This sequence change replaces lysine, which is basic and polar, with arginine, which is basic and polar, at codon 3130 of the DNAH1 protein (p.Lys3130Arg). This variant is not present in population databases (gnomAD no frequency). This variant has not been reported in the literature in individuals affected with DNAH1-related conditions. Advanced modeling of protein sequence and biophysical properties (such as structural, functional, and spatial information, amino acid conservation, physicochemical variation, residue mobility, and thermodynamic stability) performed at Invitae indicates that this missense variant is not expected to disrupt DNAH1 protein function with a negative predictive value of 80%. In summary, the available evidence is currently insufficient to determine the role of this variant in disease. Therefore, it has been classified as a Variant of Uncertain Significance.